The following is an entry in ClinVar:

ClinVar aggregate classification (germline): Likely benign. Review status: criteria provided, multiple submitters, no conflicts (2 of 4 stars). 2 submissions from 2 submitters: Likely benign (2). Last evaluated 2023-12-01.

Conditions:
Marfan syndrome (MFS). Also called: MARFAN SYNDROME, TYPE I; Marfan syndrome type 1; Marfan's syndrome; Marfan syndrome, classic; FBN1-Related Marfan Syndrome. Identifiers: Orphanet 284963, Orphanet 558, MedGen C0024796, MONDO:0007947, OMIM 154700.
Familial thoracic aortic aneurysm and aortic dissection (TAAD). Also called: Thoracic aortic aneurysms and dissections. Identifiers: Orphanet 91387, MedGen C4707243, MONDO:0019625.

Allele frequency attached by ClinVar (database versions not stated): gnomAD exomes below 0.00001.
gnomAD v4.1: 1 of 1,612,542 alleles (0.000062%); highest among the groups gnomAD compares: Non-Finnish European, 0.000085%; no homozygotes.

Submissions (2):

All of Us Research Program, National Institutes of Health
Classification: Likely benign for Marfan syndrome. Last evaluated: 2023-12-01. Review status: criteria provided, single submitter. Criteria: ACMG Guidelines, 2015. Collection method: clinical testing. Allele origin: germline. Inheritance: Autosomal dominant inheritance. Observed: 2 variant alleles, 2 heterozygotes.
Comment: This study involves interpretation of variants in research participants for the purpose of population health screening. Participant phenotype was not available at the time of variant classification. Additional details can be found in publication PMID: 35346344, PMCID: PMC8962531

Labcorp Genetics (formerly Invitae), Labcorp
Classification: Likely benign for Marfan syndrome; Familial thoracic aortic aneurysm and aortic dissection. Last evaluated: 2023-03-23. Review status: criteria provided, single submitter. Criteria: Invitae Variant Classification Sherloc (09022015). Collection method: clinical testing. Allele origin: germline.

NM_000138.5(FBN1):c.5297-10C>T

Gene: FBN1 (fibrillin 1; minus strand). Cytogenetic location: 15q21.1.
Variant type: single nucleotide variant.
Coding change: c.5297-10C>T on transcript NM_000138.5 (MANE Select); 10 bases into the intron before coding-DNA position 5297, C replaced by T.
Molecular consequence: intron variant.
Genome position (GRCh38, 1-based): chr15:48,456,772, G>A on the plus strand (C>T on the coding strand, the complement: FBN1 is on the minus strand). VCF-style: chr15-48456772-G-A. GRCh37 (hg19) VCF-style: chr15-48748969-G-A.
Other names: c.5297-10C>T (NM_001406716.1).
Identifiers: ClinVar variation 2932614 (VCV002932614.4), dbSNP rs2505479259, ClinGen allele CA2628330274.